The following is an entry in ClinVar:

NM_001352514.2(HLCS):c.832C>T (p.Leu278Phe)

Gene: HLCS (holocarboxylase synthetase; minus strand). Cytogenetic location: 21q22.13.
Variant type: single nucleotide variant.
Coding change: c.832C>T on transcript NM_001352514.2 (MANE Select); coding-DNA position 832, C replaced by T.
Protein change: p.Leu278Phe; replaces leucine 278 with phenylalanine.
Molecular consequence: missense variant. On other transcripts: non-coding transcript variant (2).
Genome position (GRCh38, 1-based): chr21:36,937,054, G>A on the plus strand (C>T on the coding strand, the complement: HLCS is on the minus strand). VCF-style: chr21-36937054-G-A. GRCh37 (hg19) VCF-style: chr21-38309354-G-A.
Other names: c.391C>T, p.Leu131Phe (NM_000411.8, NM_001242784.3, NM_001242785.2 and 4 more transcripts); short protein forms L131F, L278F.
Identifiers: ClinVar variation 2184242 (VCV002184242.1), dbSNP rs1442513230, ClinGen allele CA409913141.

ClinVar aggregate classification (germline): Uncertain significance (1 of 4 stars; one submission).

Conditions:
Holocarboxylase synthetase deficiency. Also called: MULTIPLE CARBOXYLASE DEFICIENCY, EARLY ONSET. Identifiers: Orphanet 79242, MedGen C0268581, MONDO:0009666, OMIM 253270.

Allele frequency attached by ClinVar (database versions not stated): gnomAD exomes below 0.00001; gnomAD 0.00001; TOPMed 0.00001.
gnomAD v4.1: 8 of 1,614,024 alleles (0.0005%); highest among the groups gnomAD compares: Non-Finnish European, 0.00059%; no homozygotes.

Submission:

Labcorp Genetics (formerly Invitae), Labcorp
Classification: Uncertain significance for Holocarboxylase synthetase deficiency. Last evaluated: 2022-09-13. Review status: criteria provided, single submitter. Criteria: Invitae Variant Classification Sherloc (09022015). Collection method: clinical testing. Allele origin: germline.
Comment: This sequence change replaces leucine, which is neutral and non-polar, with phenylalanine, which is neutral and non-polar, at codon 131 of the HLCS protein (p.Leu131Phe). This variant is not present in population databases (gnomAD no frequency). This variant has not been reported in the literature in individuals affected with HLCS-related conditions. Advanced modeling of protein sequence and biophysical properties (such as structural, functional, and spatial information, amino acid conservation, physicochemical variation, residue mobility, and thermodynamic stability) performed at Invitae indicates that this missense variant is expected to disrupt HLCS protein function. In summary, the available evidence is currently insufficient to determine the role of this variant in disease. Therefore, it has been classified as a Variant of Uncertain Significance.